The following is an entry in ClinVar:

ClinVar aggregate classification (germline): Uncertain significance. Review status: reviewed by expert panel (3 of 4 stars). 2 submissions from 2 submitters: Uncertain significance (1). 1 of the submissions does not count toward it. Last evaluated 2024-02-20.

Conditions:
Glanzmann thrombasthenia 2. Also called: BLEEDING DISORDER, PLATELET-TYPE, 23. Identifiers: MedGen C5543273, MONDO:0031009, OMIM 619267.
Glanzmann thrombasthenia. Also called: BLEEDING DISORDER, PLATELET-TYPE, 2; THROMBASTHENIA OF GLANZMANN AND NAEGELI; PLATELET GLYCOPROTEIN IIb-IIIa DEFICIENCY; Thrombasthenia; Glanzmann's thrombasthenia. Identifiers: Orphanet 849, MedGen C0040015, MONDO:0100326.

Submissions (2):

ClinGen Platelet Disorders Variant Curation Expert Panel, ClinGen
Classification: Uncertain significance for Glanzmann thrombasthenia. Last evaluated: 2024-02-20. Review status: reviewed by expert panel. Criteria: ClinGen Platelet ACMG Specifications v2-1. Collection method: curation. Allele origin: germline. Inheritance: Autosomal recessive inheritance.
Comment: The ITGB3 missense variant NM_000212.3:c.1835G>A replaces the cysteine residue with a tyrosine residue (p.Cys612Tyr) and is absent from control population databases, including gnomADv4.0 (PM2_supporting). This variant has been observed in homozygosity (PM3_supporting) in an proband reported to have Glanzmann's thrombasthenia (GT) (GT-27 in PMID: 30792900), however sufficient information to confirm if the individual's phenotype is specific for GT were not provided. In silico tools predict the variant is damaging to protein function (REVEL score of 0.964; PP3). In summary, this variant is of uncertain significance and lacks sufficient evidence to be classified as pathogenic or benign for GT. GT-specific criteria applied: PP3, PM2_supporting, PM3_supporting.

Genomic Medicine Center of Excellence, King Faisal Specialist Hospital and Research Centre
Classification: Likely pathogenic for Glanzmann thrombasthenia 2. Last evaluated: 2024-03-29. Review status: criteria provided, single submitter. Criteria: ACMG Guidelines, 2015. Collection method: clinical testing. Allele origin: germline. Not counted in ClinVar's aggregate classification.

NM_000212.3(ITGB3):c.1835G>A (p.Cys612Tyr)

Gene: ITGB3 (integrin subunit beta 3; plus strand). Cytogenetic location: 17q21.32.
Variant type: single nucleotide variant.
Coding change: c.1835G>A on transcript NM_000212.3 (MANE Select); coding-DNA position 1835, G replaced by A.
Protein change: p.Cys612Tyr; replaces cysteine 612 with tyrosine.
Molecular consequence: missense variant.
Genome position (GRCh38, 1-based): chr17:47,299,452, G>A. VCF-style: chr17-47299452-G-A. GRCh37 (hg19) VCF-style: chr17-45376818-G-A.
Other names: short protein forms C612Y.
Identifiers: ClinVar variation 1210180 (VCV001210180.3), dbSNP rs2143130239, ClinGen allele CA400032647.